The following is an entry in ClinVar:

ClinVar aggregate classification (germline): Uncertain significance. Review status: criteria provided, multiple submitters, no conflicts (2 of 4 stars). 2 submissions from 2 submitters: Uncertain significance (2). Last evaluated 2025-08-13.

Conditions:
Epileptic encephalopathy. Identifiers: MedGen C0543888, HP:0200134.

Allele frequency attached by ClinVar (database versions not stated): gnomAD exomes 0.00003 and 0.00014; gnomAD 0.00005 and 0.00006; TOPMed 0.00006; 1000 Genomes Project 30x 0.00016.
gnomAD v4.1: 204 of 1,539,734 alleles (0.013%); highest among the groups gnomAD compares: Non-Finnish European, 0.017%; no homozygotes.

Submissions (2):

Ambry Genetics
Classification: Uncertain significance. Last evaluated: 2025-08-13. Review status: criteria provided, single submitter. Criteria: Ambry Variant Classification Scheme 2023. Collection method: clinical testing. Allele origin: germline.

Labcorp Genetics (formerly Invitae), Labcorp
Classification: Uncertain significance for Epileptic encephalopathy. Last evaluated: 2021-09-01. Review status: criteria provided, single submitter. Criteria: Invitae Variant Classification Sherloc (09022015). Collection method: clinical testing. Allele origin: germline.
Comment: This sequence change replaces isoleucine with valine at codon 1685 of the FASN protein (p.Ile1685Val). The isoleucine residue is highly conserved and there is a small physicochemical difference between isoleucine and valine. The frequency data for this variant in the population databases is considered unreliable, as metrics indicate insufficient coverage at this position in the ExAC database. This variant has not been reported in the literature in individuals affected with FASN-related conditions. Algorithms developed to predict the effect of missense changes on protein structure and function are either unavailable or do not agree on the potential impact of this missense change (SIFT: "Deleterious"; PolyPhen-2: "Possibly Damaging"; Align-GVGD: "Class C0"). In summary, the available evidence is currently insufficient to determine the role of this variant in disease. Therefore, it has been classified as a Variant of Uncertain Significance.

NM_004104.5(FASN):c.5053A>G (p.Ile1685Val)

Gene: FASN (fatty acid synthase; minus strand). Cytogenetic location: 17q25.3.
Variant type: single nucleotide variant.
Coding change: c.5053A>G on transcript NM_004104.5 (MANE Select); coding-DNA position 5053, A replaced by G.
Protein change: p.Ile1685Val; replaces isoleucine 1685 with valine.
Molecular consequence: missense variant.
Genome position (GRCh38, 1-based): chr17:82,084,020, T>C on the plus strand (A>G on the coding strand, the complement: FASN is on the minus strand). VCF-style: chr17-82084020-T-C. GRCh37 (hg19) VCF-style: chr17-80041896-T-C.
Other names: short protein forms I1685V.
Identifiers: ClinVar variation 969317 (VCV000969317.8), dbSNP rs899592172, ClinGen allele CA295128248.
Genomic context (GRCh38, chr17:82,084,020, plus strand): 5'-GGGGCGGGGCCTTACCCACGGTGGTGAAGACGCGGCAGCCCAGACTGAGGGCGATGGCGA[T>C]GGCGGCCTGGCCCACGCCGCCCGAGCCCGAGTGGATGAGCAGCGTCTCCCCGGGGCGCAC-3'
Protein context (NP_004095.4, residues 1675-1695): SGSGGVGQAA[Ile1685Val]AIALSLGCRV